The following is an entry in ClinVar:

ClinVar aggregate classification (germline): Likely benign (0 of 4 stars; one submission).

Conditions:
PDGFRB-related disorder. Also called: PDGFRB-related condition.

Submission:

PreventionGenetics, part of Exact Sciences
Classification: Likely benign for PDGFRB-related condition. Last evaluated: 2021-02-09. Review status: no assertion criteria provided. Collection method: clinical testing. Allele origin: germline.
Comment: This variant is classified as likely benign based on ACMG/AMP sequence variant interpretation guidelines (Richards et al. 2015 PMID: 25741868, with internal and published modifications).

NM_002609.4(PDGFRB):c.1913-10T>C

Gene: PDGFRB (platelet derived growth factor receptor beta; minus strand). Cytogenetic location: 5q32.
Variant type: single nucleotide variant.
Coding change: c.1913-10T>C on transcript NM_002609.4 (MANE Select); 10 bases into the intron before coding-DNA position 1913, T replaced by C.
Molecular consequence: intron variant.
Genome position (GRCh38, 1-based): chr5:150,124,370, A>G on the plus strand (T>C on the coding strand, the complement: PDGFRB is on the minus strand). VCF-style: chr5-150124370-A-G. GRCh37 (hg19) VCF-style: chr5-149503933-A-G.
Other names: c.1721-10T>C (NM_001355016.2); c.1430-10T>C (NM_001355017.2).
Identifiers: ClinVar variation 3030039 (VCV003030039.2), dbSNP rs778006766, ClinGen allele CA2740090876.
Genomic context (GRCh38, chr5:150,124,370, plus strand): 5'-TGATCTTCAGCTCCGACATAAGGGCTTGCTTCTCACTGCTGCGGGCTGTGGCTGAGGAAA[A>G]TGGGGGCCCCAGGCCAGGCCCAGTCATGGAGGCTCCATGGAGGCCCCACCACAGGAGCCT-3'